The following is an entry in ClinVar:

ClinVar aggregate classification (germline): Uncertain significance (1 of 4 stars; one submission).

Conditions:
Familial thoracic aortic aneurysm and aortic dissection (TAAD). Also called: Thoracic aortic aneurysms and dissections. Identifiers: Orphanet 91387, MedGen C4707243, MONDO:0019625.

Allele frequency attached by ClinVar (database versions not stated): gnomAD exomes below 0.00001.
gnomAD v4.1: 2 of 1,612,782 alleles (0.00012%); highest among the groups gnomAD compares: Middle Eastern, 0.033%; no homozygotes.

Submission:

Color Diagnostics, LLC DBA Color Health
Classification: Uncertain significance for Familial thoracic aortic aneurysm and aortic dissection. Last evaluated: 2022-09-28. Review status: criteria provided, single submitter. Criteria: ACMG Guidelines, 2015. Collection method: clinical testing. Allele origin: germline.
Comment: This variant causes a C to G nucleotide substitution at the -9 position of intron 28 of the MYH11 gene. To our knowledge, functional studies have not been reported for this variant. This variant has not been reported in individuals affected with cardiovascular disorders in the literature. This variant has been identified in 1/249266 chromosomes in the general population by the Genome Aggregation Database (gnomAD). The available evidence is insufficient to determine the role of this variant in disease conclusively. Therefore, this variant is classified as a Variant of Uncertain Significance.

NM_002474.3(MYH11):c.3652-9C>G

Gene: MYH11 (myosin heavy chain 11; minus strand). Cytogenetic location: 16p13.11.
Variant type: single nucleotide variant.
Coding change: c.3652-9C>G on transcript NM_002474.3 (MANE Select); 9 bases into the intron before coding-DNA position 3652, C replaced by G.
Molecular consequence: intron variant.
Genome position (GRCh38, 1-based): chr16:15,727,063, G>C on the plus strand (C>G on the coding strand, the complement: MYH11 is on the minus strand). VCF-style: chr16-15727063-G-C. GRCh37 (hg19) VCF-style: chr16-15820920-G-C.
Other names: c.3652-9C>G (NM_022844.3); c.3673-9C>G (NM_001040114.2, NM_001040113.2).
Identifiers: ClinVar variation 1171814 (VCV001171814.4), dbSNP rs1567705039, ClinGen allele CA621181321.